The following is an entry in ClinVar:

NM_194248.3(OTOF):c.5197G>A (p.Glu1733Lys)

Gene: OTOF (otoferlin; minus strand). Cytogenetic location: 2p23.3.
Variant type: single nucleotide variant.
Coding change: c.5197G>A on transcript NM_194248.3 (MANE Select); coding-DNA position 5197, G replaced by A.
Protein change: p.Glu1733Lys; replaces glutamic acid 1733 with lysine.
Molecular consequence: missense variant.
Genome position (GRCh38, 1-based): chr2:26,462,177, C>T on the plus strand (G>A on the coding strand, the complement: OTOF is on the minus strand). VCF-style: chr2-26462177-C-T. GRCh37 (hg19) VCF-style: chr2-26685045-C-T.
Other names: c.5197G>A, p.Glu1733Lys (NM_001287489.2); c.2896G>A, p.Glu966Lys (NM_004802.4, NM_194323.3); c.3127G>A, p.Glu1043Lys (NM_194322.3); short protein forms E1733K, E1043K, E966K.
Identifiers: ClinVar variation 65808 (VCV000065808.7), dbSNP rs397515605, ClinGen allele CA345134.

ClinVar aggregate classification (germline): Pathogenic/Likely pathogenic. Review status: no assertion criteria provided (0 of 4 stars). 4 submissions from 4 submitters: Pathogenic (2); Likely pathogenic (1). 1 of the submissions does not count toward it. Last evaluated 2026-02-04.

Conditions:
Auditory neuropathy spectrum disorder. Identifiers: MedGen C2732267.
Hearing loss, autosomal recessive. Also called: Rare autosomal recessive non-syndromic sensorineural deafness type DFNB; Autosomal recessive nonsyndromic deafness; Nonsyndromic Hearing Loss, Recessive; Deafness, autosomal recessive. Identifiers: Orphanet 90635, Orphanet 90636, MedGen C1846647, MONDO:0019588, OMIM 607197.
Autosomal recessive nonsyndromic hearing loss 9. Also called: Deafness, autosomal recessive 9; OTOF-Related Hearing Loss; NEUROSENSORY NONSYNDROMIC RECESSIVE DEAFNESS 9; AUDITORY NEUROPATHY, AUTOSOMAL RECESSIVE, 1, TEMPERATURE-SENSITIVE. Identifiers: Orphanet 90636, MedGen C1832828, MONDO:0010986, OMIM 601071.

Allele frequency attached by ClinVar (database versions not stated): gnomAD exomes below 0.00001; ExAC 0.00001; gnomAD 0.00001; TOPMed 0.00001.
gnomAD v4.1: 8 of 1,613,852 alleles (0.0005%); highest among the groups gnomAD compares: East Asian, 0.0067%; no homozygotes.

Submissions (4):

Diagnosis and Treatment Center of Genetic Hearing Loss, Eye & ENT Hospital of Fudan University
Classification: Pathogenic for Autosomal recessive nonsyndromic hearing loss 9. Last evaluated: 2026-02-04. Review status: no assertion criteria provided. Collection method: clinical testing. Allele origin: germline. Inheritance: Autosomal recessive inheritance. Affected: yes.
Comment: The c.5197G>A missense variant in OTOF has a population frequency of 0.000054 (PM2_Supporting). It has been identified in at least three patients: one in trans with a likely pathogenic variant (c.[5197G>A];[5713-2A>G]) and two homozygous (PM3_Strong; PMIDs: 19250381, 31379920). In two families, multiple affected individuals were homozygous (PP1_Strong). The REVEL score is 0.915 (PP3_Moderate). The phenotype is consistent (PP4).

Department of Otolaryngology, Head and Neck Surgery, Beijing Friendship Hospital, Capital Medical University
Classification: Pathogenic for Auditory neuropathy spectrum disorder. Last evaluated: 2020-05-29. Review status: no assertion criteria provided. Collection method: clinical testing. Allele origin: inherited. Inheritance: Autosomal recessive inheritance. Affected: yes.

GeneReviews
No classification provided. Condition: Autosomal recessive nonsyndromic hearing loss 9. Review status: no classification provided. Collection method: literature only. Allele origin: unknown. Not counted in ClinVar's aggregate classification.

University of Washington Center for Mendelian Genomics, University of Washington
Classification: Likely pathogenic for non-syndromic autosomal recessive hearing loss. Review status: no assertion criteria provided. Collection method: research. Allele origin: inherited. Affected: yes.

Literature cited by the submitters: PubMed 19250381 (cited by Diagnosis and Treatment Center of Genetic Hearing Loss, Eye & ENT Hospital of Fudan University and GeneReviews); PubMed 31379920 (cited by Diagnosis and Treatment Center of Genetic Hearing Loss, Eye & ENT Hospital of Fudan University); PubMed 20301429 (cited by GeneReviews); NCBI Bookshelf NBK1251 (cited by GeneReviews); PubMed 30303587 (cited by University of Washington Center for Mendelian Genomics, University of Washington).